The following is an entry in ClinVar:

ClinVar aggregate classification (germline): Conflicting classifications of pathogenicity. Review status: criteria provided, conflicting classifications (1 of 4 stars). 2 submissions from 2 submitters: Uncertain significance (1); Likely benign (1). Last evaluated 2025-11-06.

Conditions:
Inborn genetic diseases. Identifiers: MedGen C0950123, MeSH D030342.

Allele frequency attached by ClinVar (database versions not stated): gnomAD exomes 0.00002; ESP Exome Variant Server 0.00015; 1000 Genomes Project 30x 0.00016; 1000 Genomes Project 0.00020; TOPMed 0.00003; ExAC 0.00004; gnomAD 0.00005.
gnomAD v4.1: 37 of 1,614,058 alleles (0.0023%); highest among the groups gnomAD compares: African/African-American, 0.037%; 1 homozygote.

Submissions (2):

Ambry Genetics
Classification: Likely benign for Inborn genetic diseases. Last evaluated: 2025-11-06. Review status: criteria provided, single submitter. Criteria: Ambry Variant Classification Scheme 2023. Collection method: clinical testing. Allele origin: germline.

Labcorp Genetics (formerly Invitae), Labcorp
Classification: Uncertain significance. Last evaluated: 2022-04-22. Review status: criteria provided, single submitter. Criteria: Invitae Variant Classification Sherloc (09022015). Collection method: clinical testing. Allele origin: germline.
Comment: This sequence change affects codon 209 of the ASCC1 mRNA. It is a 'silent' change, meaning that it does not change the encoded amino acid sequence of the ASCC1 protein. It affects a nucleotide within the consensus splice site. This variant is present in population databases (rs147348349, gnomAD 0.01%). This variant has not been reported in the literature in individuals affected with ASCC1-related conditions. Algorithms developed to predict the effect of sequence changes on RNA splicing suggest that this variant is not likely to affect RNA splicing. In summary, the available evidence is currently insufficient to determine the role of this variant in disease. Therefore, it has been classified as a Variant of Uncertain Significance.

NM_001198800.3(ASCC1):c.627T>C (p.Asn209=)

Gene: ASCC1 (activating signal cointegrator 1 complex subunit 1; minus strand). Cytogenetic location: 10q22.1.
Variant type: single nucleotide variant.
Coding change: c.627T>C on transcript NM_001198800.3 (MANE Select); coding-DNA position 627, T replaced by C.
Protein change: p.Asn209=; no amino-acid change (asparagine 209 retained).
Molecular consequence: synonymous variant. On other transcripts: non-coding transcript variant (1), intron variant (7).
Genome position (GRCh38, 1-based): chr10:72,152,988, A>G on the plus strand (T>C on the coding strand, the complement: ASCC1 is on the minus strand). VCF-style: chr10-72152988-A-G. GRCh37 (hg19) VCF-style: chr10-73912746-A-G.
Other names: c.627T>C (NM_001198800.1); c.627T>C, p.Asn209= (NM_001198798.2, NM_001369087.1, NM_001369088.1 and 12 more transcripts); c.711T>C, p.Asn237= (NM_001198799.3); c.693T>C, p.Asn231= (NM_001369085.1, NM_001369086.1); c.510T>C, p.Asn170= (NM_001369101.1, NM_001369102.1, NM_001369105.1 and 2 more transcripts); c.692+8550T>C (NM_001369099.1); c.626+8550T>C (NM_001369112.1, NM_001369108.1, NM_001369103.1 and 3 more transcripts).
Identifiers: ClinVar variation 2415083 (VCV002415083.5), dbSNP rs147348349, ClinGen allele CA5548962.